The following is an entry in ClinVar:

ClinVar aggregate classification (germline): Pathogenic (1 of 4 stars; one submission).

Conditions:
Glycine encephalopathy. Also called: Non-ketotic hyperglycinemia; Nonketotic hyperglycinemia. Identifiers: Orphanet 407, MedGen C0751748, MONDO:0011612, HP:0008288.

Submission:

Labcorp Genetics (formerly Invitae), Labcorp
Classification: Pathogenic for Glycine encephalopathy. Last evaluated: 2021-07-21. Review status: criteria provided, single submitter. Criteria: Invitae Variant Classification Sherloc (09022015). Collection method: clinical testing. Allele origin: germline.
Comment: For these reasons, this variant has been classified as Pathogenic. This variant disrupts a region of the GLDC protein in which other variant(s) (p.Arg236Pro) have been determined to be pathogenic (PMID: 27362913). This suggests that this is a clinically significant region of the protein, and that variants that disrupt it are likely to be disease-causing. This variant has not been reported in the literature in individuals affected with GLDC-related conditions. This variant is a gross deletion of the genomic region encompassing exon(s) 4-5 of the GLDC gene. This variant would be expected to be in-frame, preserving the integrity of the reading frame.

Literature cited by the submitters: PubMed 27362913.

NC_000009.11:g.(?_6606582)_(6610366_?)del

Gene: GLDC (glycine decarboxylase; minus strand). Cytogenetic location: 9p24.1.
Variant type: Deletion.
Identifiers: ClinVar variation 1459365 (VCV001459365.7).